The following is an entry in ClinVar:

NM_000554.6(CRX):c.25C>T (p.Pro9Ser)

Gene: CRX (cone-rod homeobox; plus strand). Cytogenetic location: 19q13.33.
Variant type: single nucleotide variant.
Coding change: c.25C>T on transcript NM_000554.6 (MANE Select); coding-DNA position 25, C replaced by T.
Protein change: p.Pro9Ser; replaces proline 9 with serine.
Molecular consequence: missense variant.
Genome position (GRCh38, 1-based): chr19:47,834,468, C>T. VCF-style: chr19-47834468-C-T. GRCh37 (hg19) VCF-style: chr19-48337725-C-T.
Other names: short protein forms P9S.
Identifiers: ClinVar variation 1485660 (VCV001485660.6), dbSNP rs2123738269, ClinGen allele CA406628746.

ClinVar aggregate classification (germline): Uncertain significance (1 of 4 stars; one submission).

Conditions:
Cone-rod dystrophy 2 (CORD2). Also called: CONE-ROD RETINAL DYSTROPHY; Cone-rod retinal dystrophy 2. Identifiers: Orphanet 1872, MedGen C3489532, MONDO:0007362, OMIM 120970.
Leber congenital amaurosis 7 (LCA7). Identifiers: Orphanet 65, MedGen C3151192, MONDO:0013449, OMIM 613829.

Allele frequency attached by ClinVar (database versions not stated): gnomAD exomes below 0.00001.
gnomAD v4.1: 1 of 1,614,130 alleles (0.000062%); highest among the groups gnomAD compares: Non-Finnish European, 0.000085%; no homozygotes.

Submission:

Labcorp Genetics (formerly Invitae), Labcorp
Classification: Uncertain significance for Cone-rod dystrophy 2; Leber congenital amaurosis 7. Last evaluated: 2021-08-04. Review status: criteria provided, single submitter. Criteria: Invitae Variant Classification Sherloc (09022015). Collection method: clinical testing. Allele origin: germline.
Comment: This variant is not present in population databases (ExAC no frequency). In summary, the available evidence is currently insufficient to determine the role of this variant in disease. Therefore, it has been classified as a Variant of Uncertain Significance. Algorithms developed to predict the effect of missense changes on protein structure and function are either unavailable or do not agree on the potential impact of this missense change (SIFT: "Deleterious"; PolyPhen-2: "Benign"; Align-GVGD: "Class C65"). This variant has not been reported in the literature in individuals affected with CRX-related conditions. This sequence change replaces proline with serine at codon 9 of the CRX protein (p.Pro9Ser). The proline residue is highly conserved and there is a moderate physicochemical difference between proline and serine.